The following is an entry in ClinVar:

ClinVar aggregate classification (germline): Conflicting classifications of pathogenicity. Review status: criteria provided, conflicting classifications (1 of 4 stars). 5 submissions from 5 submitters: Pathogenic (2); Uncertain significance (3). Last evaluated 2026-09-03.

Conditions:
Cardiomyopathy (CMYO). Also called: Cardiomyopathies. Identifiers: Orphanet 167848, MedGen C0878544, MONDO:0004994, HP:0001638. Inheritance: Various modes of inheritance.
Cardiomyopathy, familial restrictive, 1. Identifiers: Orphanet 75249, MedGen C1861861, MONDO:0007270, OMIM 115210.
Cardiovascular phenotype. Identifiers: MedGen CN230736.
Hypertrophic cardiomyopathy. Also called: HYPERTROPHIC MYOCARDIOPATHY. Identifiers: Orphanet 217569, MedGen C0007194, MeSH D002312, MONDO:0005045, HP:0001639.

gnomAD v4.1: 1 of 1,612,774 alleles (0.000062%); highest among the groups gnomAD compares: Non-Finnish European, 0.000085%; no homozygotes.

Submissions (5):

Ambry Genetics
Classification: Uncertain significance for Cardiovascular phenotype. Last evaluated: 2026-09-03. Review status: criteria provided, single submitter. Criteria: Ambry Variant Classification Scheme 2023. Collection method: clinical testing. Allele origin: germline.
Comment: The p.R136* variant (also known as c.406C>T), located in coding exon 7 of the TNNI3 gene, results from a C to T substitution at nucleotide position 406. This changes the amino acid from an arginine to a stop codon within coding exon 7. This variant was reported in individual(s) with features consistent with TNNI3-related cardiomyopathy (Smith E et al. J Am Heart Assoc, 2022 May;11:e024501). (Mehvari S et al. Clin Genet, 2024 Jun;105:611-619). This variant has been identified in the homozygous state in individual(s) with features consistent with restrictive cardiomyopathy (RCM) (Masoumi T et al. BMC Med Genomics, 2025 Apr;18:82; K&uuml;hnisch J et al. HGG Adv, 2026 Jul;7:100598). This alteration is expected to result in loss of function by premature protein truncation or nonsense-mediated mRNA decay. Although biallelic loss of function of TNNI3 has been associated with autosomal recessive dilated cardiomyopathy, haploinsufficiency of TNNI3 has not been established as a mechanism of disease for autosomal dominant cardiomyopathy. Based on the supporting evidence, this variant is expected to be causative of TNNI3-related autosomal recessive dilated cardiomyopathy when present along with a second pathogenic variant on the other allele; however, its clinical significance for TNNI3-related autosomal dominant cardiomyopathy is unclear.

Labcorp Genetics (formerly Invitae), Labcorp
Classification: Pathogenic for Hypertrophic cardiomyopathy. Last evaluated: 2026-01-19. Review status: criteria provided, single submitter. Criteria: Invitae Variant Classification Sherloc (09022015). Collection method: clinical testing. Allele origin: germline.
Comment: This sequence change creates a premature translational stop signal (p.Arg136*) in the TNNI3 gene. It is expected to result in an absent or disrupted protein product. Loss-of-function variants in TNNI3 are known to be pathogenic (PMID: 31568572, 34036930, 35838873). This variant is present in population databases (no rsID available, gnomAD 0.003%). This variant has not been reported in the literature in individuals affected with TNNI3-related conditions. ClinVar contains an entry for this variant (Variation ID: 488853). For these reasons, this variant has been classified as Pathogenic.

Color Diagnostics, LLC DBA Color Health
Classification: Uncertain significance for Cardiomyopathy. Last evaluated: 2025-07-10. Review status: criteria provided, single submitter. Criteria: ACMG Guidelines, 2015. Collection method: clinical testing. Allele origin: germline.
Comment: This variant changes 1 nucleotide in exon 7 of the TNNI3 gene, creating a premature translation stop signal. This variant is expected to result in an absent or non-functional protein product. This variant has been reported in an individual affected with arrhythmogenic right ventricular cardiomyopathy (PMID: 35470680) and in an individual affected with premature coronary artery disease (PMID: 38308583). This variant has not been identified in the general population by the Genome Aggregation Database (gnomAD). Clinical relevance of loss-of-function TNNI3 truncation variants in autosomal dominant cardiovascular disorders is not clearly established. The available evidence is insufficient to determine the role of this variant in disease conclusively. Therefore, this variant is classified as a Variant of Uncertain Significance.

GeneDx
Classification: Uncertain significance. Last evaluated: 2022-11-07. Review status: criteria provided, single submitter. Criteria: GeneDx Variant Classification Process June 2021. Collection method: clinical testing. Allele origin: germline. Affected: yes.
Comment: Not observed at significant frequency in large population cohorts (gnomAD); Nonsense variant predicted to result in protein truncation or nonsense mediated decay in a gene or region of a gene for which loss of function is not a well-established mechanism of disease; Has not been previously published as pathogenic or benign to our knowledge

Rajaie Cardiovascular, Medical and Research Center, Iran University of Medical Sciences
Classification: Pathogenic for Cardiomyopathy, familial restrictive, 1. Review status: criteria provided, single submitter. Criteria: ACMG Guidelines, 2015. Collection method: research. Allele origin: germline. Inheritance: Autosomal recessive inheritance. Affected: yes. Observed: 1 homozygote.
Comment: Restrictive Cardiomyopathy

Literature cited by the submitters: PubMed 35470680 (cited by Ambry Genetics and Color Diagnostics, LLC DBA Color Health); PubMed 38308583 (cited by Ambry Genetics and Color Diagnostics, LLC DBA Color Health); PubMed 40307908 (cited by Ambry Genetics); PubMed 41918167 (cited by Ambry Genetics); PubMed 31568572 (cited by Labcorp Genetics (formerly Invitae), Labcorp); PubMed 34036930 (cited by Labcorp Genetics (formerly Invitae), Labcorp); PubMed 35838873 (cited by Labcorp Genetics (formerly Invitae), Labcorp).

NM_000363.5(TNNI3):c.406C>T (p.Arg136Ter)

Gene: TNNI3 (troponin I3, cardiac type; minus strand). Cytogenetic location: 19q13.42.
Variant type: single nucleotide variant.
Coding change: c.406C>T on transcript NM_000363.5 (MANE Select); coding-DNA position 406, C replaced by T.
Protein change: p.Arg136Ter; replaces arginine 136 with a stop codon.
Molecular consequence: nonsense.
Genome position (GRCh38, 1-based): chr19:55,154,173, G>A on the plus strand (C>T on the coding strand, the complement: TNNI3 is on the minus strand). VCF-style: chr19-55154173-G-A. GRCh37 (hg19) VCF-style: chr19-55665541-G-A.
Other names: c.406C>T (LRG_432t1); short protein forms R136*.
Identifiers: ClinVar variation 488853 (VCV000488853.16), dbSNP rs1393946566, ClinGen allele CA407440677.